The following is an entry in ClinVar:

ClinVar aggregate classification (germline): Uncertain significance (1 of 4 stars; one submission).

Submission:

GeneDx
Classification: Uncertain significance. Last evaluated: 2025-06-09. Review status: criteria provided, single submitter. Criteria: GeneDx Variant Classification Process June 2021. Collection method: clinical testing. Allele origin: germline. Affected: yes.
Comment: Not observed at significant frequency in large population cohorts (gnomAD); In silico analysis supports that this missense variant has a deleterious effect on protein structure/function; Has not been previously published as pathogenic or benign to our knowledge

NM_001085458.2(CTNND1):c.1757T>C (p.Leu586Ser)

Genes: CTNND1 (catenin delta 1; plus strand), TMX2-CTNND1 (TMX2-CTNND1 readthrough (NMD candidate); plus strand). Cytogenetic location: 11q12.1.
Variant type: single nucleotide variant.
Coding change: c.1757T>C on transcript NM_001085458.2 (MANE Select); coding-DNA position 1757, T replaced by C.
Protein change: p.Leu586Ser; replaces leucine 586 with serine.
Molecular consequence: missense variant. On other transcripts: non-coding transcript variant (1).
Genome position (GRCh38, 1-based): chr11:57,805,916, T>C. VCF-style: chr11-57805916-T-C. GRCh37 (hg19) VCF-style: chr11-57573388-T-C.
Other names: c.1757T>C, p.Leu586Ser (NM_001085459.2, NM_001085460.2, NM_001085461.2 and 3 more transcripts); c.1454T>C, p.Leu485Ser (NM_001085463.2, NM_001206890.2, NM_001085464.2 and 5 more transcripts); c.1595T>C, p.Leu532Ser (NM_001206886.2, NM_001206887.2, NM_001206888.2 and 4 more transcripts); short protein forms L485S, L532S, L586S.
Identifiers: ClinVar variation 4537553 (VCV004537553.1).